The following is an entry in ClinVar:

ClinVar aggregate classification (germline): Uncertain significance (1 of 4 stars; one submission).

Conditions:
Hypertrophic cardiomyopathy 10. Also called: MYL2-Related Familial Hypertrophic Cardiomyopathy; CARDIOMYOPATHY, HYPERTROPHIC, MID-LEFT VENTRICULAR CHAMBER TYPE, 2. Identifiers: MedGen C1834460, MONDO:0012112, OMIM 608758.

Allele frequency attached by ClinVar (database versions not stated): TOPMed below 0.00001.

Submission:

Labcorp Genetics (formerly Invitae), Labcorp
Classification: Uncertain significance for Hypertrophic cardiomyopathy 10. Last evaluated: 2024-10-03. Review status: criteria provided, single submitter. Criteria: Invitae Variant Classification Sherloc (09022015). Collection method: clinical testing. Allele origin: germline.
Comment: This sequence change replaces glycine, which is neutral and non-polar, with arginine, which is basic and polar, at codon 57 of the MYL2 protein (p.Gly57Arg). This variant is not present in population databases (gnomAD no frequency). This variant has not been reported in the literature in individuals affected with MYL2-related conditions. ClinVar contains an entry for this variant (Variation ID: 1010522). An algorithm developed to predict the effect of missense changes on protein structure and function (PolyPhen-2) suggests that this variant is likely to be disruptive. Algorithms developed to predict the effect of sequence changes on RNA splicing suggest that this variant may disrupt the consensus splice site. In summary, the available evidence is currently insufficient to determine the role of this variant in disease. Therefore, it has been classified as a Variant of Uncertain Significance.

NM_000432.4(MYL2):c.169G>A (p.Gly57Arg)

Gene: MYL2 (myosin light chain 2; minus strand). Cytogenetic location: 12q24.11.
Variant type: single nucleotide variant.
Coding change: c.169G>A on transcript NM_000432.4 (MANE Select); coding-DNA position 169, G replaced by A.
Protein change: p.Gly57Arg; replaces glycine 57 with arginine.
Molecular consequence: missense variant.
Genome position (GRCh38, 1-based): chr12:110,915,715, C>T on the plus strand (G>A on the coding strand, the complement: MYL2 is on the minus strand). VCF-style: chr12-110915715-C-T. GRCh37 (hg19) VCF-style: chr12-111353519-C-T.
Other names: short protein forms G57R.
Identifiers: ClinVar variation 1010522 (VCV001010522.9), dbSNP rs2428140, ClinGen allele CA386699152.